The following is an entry in ClinVar:

ClinVar aggregate classification (germline): Uncertain significance. Review status: criteria provided, multiple submitters, no conflicts (2 of 4 stars). 2 submissions from 2 submitters: Uncertain significance (2). Last evaluated 2024-03-06.

Conditions:
Familial adenomatous polyposis 1 (FAP1). Also called: POLYPOSIS, ADENOMATOUS INTESTINAL; FAMILIAL ADENOMATOUS POLYPOSIS 1, ATTENUATED. Identifiers: MedGen C2713442, MONDO:0021056, OMIM 175100. Disease mechanism: loss of function.
Hereditary cancer-predisposing syndrome. Also called: Tumor predisposition; Hereditary neoplastic syndrome; Neoplastic Syndromes, Hereditary; Hereditary Cancer Syndrome. Identifiers: Orphanet 140162, MedGen C0027672, MeSH D009386, MONDO:0015356.

Submissions (2):

Color Diagnostics, LLC DBA Color Health
Classification: Uncertain significance for Hereditary cancer-predisposing syndrome. Last evaluated: 2024-03-06. Review status: criteria provided, single submitter. Criteria: ACMG Guidelines, 2015. Collection method: clinical testing. Allele origin: germline.
Comment: This missense variant replaces aspartic acid with glycine at codon 1994 of the APC protein. Computational prediction suggests that this variant may not impact protein structure and function (internally defined REVEL score threshold <= 0.5, PMID: 27666373). To our knowledge, functional studies have not been reported for this variant. This variant has not been reported in individuals affected with hereditary cancer in the literature. This variant has not been identified in the general population by the Genome Aggregation Database (gnomAD). The available evidence is insufficient to determine the role of this variant in disease conclusively. Therefore, this variant is classified as a Variant of Uncertain Significance.

Labcorp Genetics (formerly Invitae), Labcorp
Classification: Uncertain significance for Familial adenomatous polyposis 1. Last evaluated: 2021-06-04. Review status: criteria provided, single submitter. Criteria: Invitae Variant Classification Sherloc (09022015). Collection method: clinical testing. Allele origin: germline.
Comment: This sequence change replaces aspartic acid with glycine at codon 1994 of the APC protein (p.Asp1994Gly). The aspartic acid residue is moderately conserved and there is a moderate physicochemical difference between aspartic acid and glycine. This variant is not present in population databases (ExAC no frequency). This variant has not been reported in the literature in individuals with APC-related conditions. Algorithms developed to predict the effect of missense changes on protein structure and function (SIFT, PolyPhen-2, Align-GVGD) all suggest that this variant is likely to be tolerated, but these predictions have not been confirmed by published functional studies and their clinical significance is uncertain. In summary, the available evidence is currently insufficient to determine the role of this variant in disease. Therefore, it has been classified as a Variant of Uncertain Significance.

NM_000038.6(APC):c.5981A>G (p.Asp1994Gly)

Gene: APC (APC regulator of Wnt signaling pathway; plus strand). Cytogenetic location: 5q22.2.
Variant type: single nucleotide variant.
Coding change: c.5981A>G on transcript NM_000038.6 (MANE Select); coding-DNA position 5981, A replaced by G.
Protein change: p.Asp1994Gly; replaces aspartic acid 1994 with glycine.
Molecular consequence: missense variant.
Genome position (GRCh38, 1-based): chr5:112,841,575, A>G. VCF-style: chr5-112841575-A-G. GRCh37 (hg19) VCF-style: chr5-112177272-A-G.
Other names: c.5981A>G, p.Asp1994Gly (NM_001127510.3, NM_001354895.2); c.5927A>G, p.Asp1976Gly (NM_001127511.3); c.6035A>G, p.Asp2012Gly (NM_001354896.2); c.6011A>G, p.Asp2004Gly (NM_001354897.2); c.5906A>G, p.Asp1969Gly (NM_001354898.2); c.5897A>G, p.Asp1966Gly (NM_001354899.2); c.5858A>G, p.Asp1953Gly (NM_001354900.2); c.5804A>G, p.Asp1935Gly (NM_001354901.2); and 5 more; short protein forms D1893G, D1935G, D1969G, D1976G, D1903G, D1966G, D2012G, D1868G.
Identifiers: ClinVar variation 950859 (VCV000950859.14), dbSNP rs774815653, ClinGen allele CA16034425.
Genomic context (GRCh38, chr5:112,841,575, plus strand): 5'-ACATTGACCAAGAAAACAACAATAAAGAAAATGAACCTATCAAAGAGACTGAGCCCCCTG[A>G]CTCACAGGGAGAACCAAGTAAACCTCAAGCATCAGGCTATGCTCCTAAATCATTTCATGT-3'
Protein context (NP_000029.2, residues 1984-2004): NEPIKETEPP[Asp1994Gly]SQGEPSKPQA